The following is an entry in ClinVar:

ClinVar aggregate classification (germline): Uncertain significance (1 of 4 stars; one submission).

Conditions:
Spondylocostal dysostosis 3, autosomal recessive (SCDO3). Also called: LFNG-Related Spondylocostal Dysostosis, Autosomal Recessive. Identifiers: Orphanet 2311, MedGen C1853296, MONDO:0012349, OMIM 609813.

Allele frequency attached by ClinVar (database versions not stated): gnomAD exomes below 0.00001; TOPMed below 0.00001; gnomAD 0.00001.
gnomAD v4.1: 3 of 1,607,334 alleles (0.00019%); highest among the groups gnomAD compares: African/African-American, 0.0041%; no homozygotes.

Submission:

Labcorp Genetics (formerly Invitae), Labcorp
Classification: Uncertain significance for Spondylocostal dysostosis 3, autosomal recessive. Last evaluated: 2021-07-12. Review status: criteria provided, single submitter. Criteria: Invitae Variant Classification Sherloc (09022015). Collection method: clinical testing. Allele origin: germline.
Comment: Algorithms developed to predict the effect of missense changes on protein structure and function are either unavailable or do not agree on the potential impact of this missense change (SIFT: "Deleterious"; PolyPhen-2: "Possibly Damaging"; Align-GVGD: "Class C0"). In summary, the available evidence is currently insufficient to determine the role of this variant in disease. Therefore, it has been classified as a Variant of Uncertain Significance. This sequence change replaces lysine with asparagine at codon 123 of the LFNG protein (p.Lys123Asn). The lysine residue is weakly conserved and there is a moderate physicochemical difference between lysine and asparagine. This variant is not present in population databases (ExAC no frequency). This variant has not been reported in the literature in individuals with LFNG-related conditions.

NM_001040167.2(LFNG):c.369A>C (p.Lys123Asn)

Gene: LFNG (LFNG O-fucosylpeptide 3-beta-N-acetylglucosaminyltransferase; plus strand). Cytogenetic location: 7p22.3.
Variant type: single nucleotide variant.
Coding change: c.369A>C on transcript NM_001040167.2 (MANE Select); coding-DNA position 369, A replaced by C.
Protein change: p.Lys123Asn; replaces lysine 123 with asparagine.
Molecular consequence: missense variant. On other transcripts: intron variant (2).
Genome position (GRCh38, 1-based): chr7:2,520,230, A>C. VCF-style: chr7-2520230-A-C. GRCh37 (hg19) VCF-style: chr7-2559864-A-C.
Other names: c.369A>C, p.Lys123Asn (NM_001040168.2); c.220-4465A>C (NM_001166355.2); c.45+1632A>C (NM_002304.3); short protein forms K123N.
Identifiers: ClinVar variation 1478483 (VCV001478483.8), dbSNP rs1779752729, ClinGen allele CA366613981.
Genomic context (GRCh38, chr7:2,520,230, plus strand): 5'-GCGCCCCCTGGCCGAGCCGCTCGCGCCCCGAGACGTCTTCATCGCTGTCAAGACCACCAA[A>C]AAGTTCCACCGCGCGCGCCTCGACCTGCTGCTGGAGACCTGGATCTCGCGCCACAAGGAG-3'
Protein context (NP_001035257.1, residues 113-133): RDVFIAVKTT[Lys123Asn]KFHRARLDLL